The following is an entry in ClinVar:

ClinVar aggregate classification (germline): Uncertain significance. Review status: criteria provided, multiple submitters, no conflicts (2 of 4 stars). 2 submissions from 2 submitters: Uncertain significance (2). Last evaluated 2025-12-13.

Conditions:
Brugada syndrome 8 (BRGDA8). Identifiers: Orphanet 130, MedGen C2751083, MONDO:0013148, OMIM 613123.
Cardiovascular phenotype. Identifiers: MedGen CN230736.

Allele frequency attached by ClinVar (database versions not stated): TOPMed below 0.00001; gnomAD exomes 0.00001.

Submissions (2):

Labcorp Genetics (formerly Invitae), Labcorp
Classification: Uncertain significance for Brugada syndrome 8. Last evaluated: 2025-12-13. Review status: criteria provided, single submitter. Criteria: Invitae Variant Classification Sherloc (09022015). Collection method: clinical testing. Allele origin: germline.
Comment: This variant, c.3169_3189dup, results in the insertion of 7 amino acid(s) of the HCN4 protein (p.Ala1057_Pro1063dup), but otherwise preserves the integrity of the reading frame. This variant is present in population databases (no rsID available, gnomAD 0.004%). This variant has not been reported in the literature in individuals affected with HCN4-related conditions. ClinVar contains an entry for this variant (Variation ID: 1044743). Experimental studies and prediction algorithms are not available or were not evaluated, and the functional significance of this variant is currently unknown. In summary, the available evidence is currently insufficient to determine the role of this variant in disease. Therefore, it has been classified as a Variant of Uncertain Significance.

Ambry Genetics
Classification: Uncertain significance for Cardiovascular phenotype. Last evaluated: 2021-08-26. Review status: criteria provided, single submitter. Criteria: Ambry Variant Classification Scheme 2023. Collection method: clinical testing. Allele origin: germline.
Comment: The c.3169_3189dup21 variant (also known as p.A1057_P1063dup), located in coding exon 8 of the HCN4 gene. This variant results from an in-frame duplication of 21 nucleotides at nucleotide positions 3169 to 3189. This results in the duplication of 7 extra residues (ASSPPPP) between codons 1057 and 1063. In addition, this alteration is predicted to be neutral by in silico analysis (Choi Y et al. PLoS ONE. 2012; 7(10):e46688). Since supporting evidence is limited at this time, the clinical significance of this alteration remains unclear.

NM_005477.3(HCN4):c.3169_3189dup (p.Ala1057_Pro1063dup)

Gene: HCN4 (hyperpolarization activated cyclic nucleotide gated potassium channel 4; minus strand). Cytogenetic location: 15q24.1.
Variant type: Duplication.
Coding change: c.3169_3189dup on transcript NM_005477.3 (MANE Select); coding-DNA positions 3169 to 3189, 21 bases duplicated (GCATCCAGCCCCCCACCACCC).
Protein change: p.Ala1057_Pro1063dup.
Molecular consequence: inframe insertion.
Genome position (GRCh38, 1-based): chr15:73,322,904-73,322,924, GGGTGGTGGGGGGCTGGATGC duplicated on the plus strand (GCATCCAGCCCCCCACCACCC on the coding strand, the reverse complement: HCN4 is on the minus strand). VCF-style (leftmost placement, unchanged base first): chr15-73322903-G-GGGGTGGTGGGGGGCTGGATGC. GRCh37 (hg19) VCF-style: chr15-73615244-G-GGGGTGGTGGGGGGCTGGATGC.
Identifiers: ClinVar variation 1044743 (VCV001044743.10), dbSNP rs1486632648, ClinGen allele CA619410586.